The following is an entry in ClinVar:

NM_000059.4(BRCA2):c.9357A>C (p.Leu3119Phe)

Gene: BRCA2 (BRCA2 DNA repair associated; plus strand). Cytogenetic location: 13q13.1.
Variant type: single nucleotide variant.
Coding change: c.9357A>C on transcript NM_000059.4 (MANE Select); coding-DNA position 9357, A replaced by C.
Protein change: p.Leu3119Phe; replaces leucine 3119 with phenylalanine.
Molecular consequence: missense variant.
Genome position (GRCh38, 1-based): chr13:32,394,789, A>C. VCF-style: chr13-32394789-A-C. GRCh37 (hg19) VCF-style: chr13-32968926-A-C.
Other names: short protein forms L3119F.
Identifiers: ClinVar variation 489797 (VCV000489797.6), dbSNP rs1555289562, ClinGen allele CA387761134.

ClinVar aggregate classification (germline): Uncertain significance (1 of 4 stars; one submission).

Conditions:
Hereditary cancer-predisposing syndrome. Also called: Hereditary Cancer Syndrome; Neoplastic Syndromes, Hereditary; Tumor predisposition; Hereditary neoplastic syndrome. Identifiers: Orphanet 140162, MedGen C0027672, MeSH D009386, MONDO:0015356.

Submission:

Color Diagnostics, LLC DBA Color Health
Classification: Uncertain significance for Hereditary cancer-predisposing syndrome. Last evaluated: 2023-12-05. Review status: criteria provided, single submitter. Criteria: ACMG Guidelines, 2015. Collection method: clinical testing. Allele origin: germline.
Comment: This missense variant replaces leucine with phenylalanine at codon 3119 of the BRCA2 protein. Computational prediction is inconclusive regarding the impact of this variant on protein structure and function (internally defined REVEL score threshold 0.5 < inconclusive < 0.7, PMID: 27666373). To our knowledge, functional studies have not been reported for this variant. This variant has not been reported in individuals affected with BRCA2-related disorders in the literature. This variant has not been identified in the general population by the Genome Aggregation Database (gnomAD). The available evidence is insufficient to determine the role of this variant in disease conclusively. Therefore, this variant is classified as a Variant of Uncertain Significance.